The following is an entry in ClinVar:

ClinVar aggregate classification (germline): Uncertain significance. Review status: criteria provided, multiple submitters, no conflicts (2 of 4 stars). 2 submissions from 2 submitters: Uncertain significance (2). Last evaluated 2024-12-07.

Conditions:
Hereditary cancer-predisposing syndrome. Also called: Tumor predisposition; Hereditary Cancer Syndrome; Hereditary neoplastic syndrome; Neoplastic Syndromes, Hereditary. Identifiers: Orphanet 140162, MedGen C0027672, MeSH D009386, MONDO:0015356.
Gastrointestinal stromal tumor. Also called: Gastrointestinal stroma tumor; Gastrointestinal stromal tumor, somatic. Identifiers: Orphanet 44890, MedGen C0238198, MeSH D046152, MONDO:0011719, OMIM 606764, HP:0100723.

Submissions (2):

Ambry Genetics
Classification: Uncertain significance for Hereditary cancer-predisposing syndrome. Last evaluated: 2024-12-07. Review status: criteria provided, single submitter. Criteria: Ambry Variant Classification Scheme 2023. Collection method: clinical testing. Allele origin: germline.
Comment: The p.V533L variant (also known as c.1597G>C), located in coding exon 10 of the PDGFRA gene, results from a G to C substitution at nucleotide position 1597. The valine at codon 533 is replaced by leucine, an amino acid with highly similar properties. This amino acid position is conserved. In addition, the in silico prediction for this alteration is inconclusive. Based on the available evidence, the clinical significance of this variant remains unclear.

Labcorp Genetics (formerly Invitae), Labcorp
Classification: Uncertain significance for Gastrointestinal stromal tumor. Last evaluated: 2021-05-25. Review status: criteria provided, single submitter. Criteria: Invitae Variant Classification Sherloc (09022015). Collection method: clinical testing. Allele origin: germline.
Comment: This sequence change replaces valine with leucine at codon 533 of the PDGFRA protein (p.Val533Leu). The valine residue is highly conserved and there is a small physicochemical difference between valine and leucine. This variant is not present in population databases (ExAC no frequency). This variant has not been reported in the literature in individuals with PDGFRA-related conditions. Algorithms developed to predict the effect of missense changes on protein structure and function (SIFT, PolyPhen-2, Align-GVGD) all suggest that this variant is likely to be disruptive, but these predictions have not been confirmed by published functional studies and their clinical significance is uncertain. In summary, the available evidence is currently insufficient to determine the role of this variant in disease. Therefore, it has been classified as a Variant of Uncertain Significance.

NM_006206.6(PDGFRA):c.1597G>C (p.Val533Leu)

Gene: PDGFRA (platelet derived growth factor receptor alpha; plus strand). Cytogenetic location: 4q12.
Variant type: single nucleotide variant.
Coding change: c.1597G>C on transcript NM_006206.6 (MANE Select); coding-DNA position 1597, G replaced by C.
Protein change: p.Val533Leu; replaces valine 533 with leucine.
Molecular consequence: missense variant.
Genome position (GRCh38, 1-based): chr4:54,274,569, G>C. VCF-style: chr4-54274569-G-C. GRCh37 (hg19) VCF-style: chr4-55140736-G-C.
Other names: c.1597G>C, p.Val533Leu (NM_001347827.2, NM_001347829.2); c.1672G>C, p.Val558Leu (NM_001347828.2); c.1636G>C, p.Val546Leu (NM_001347830.2); c.1597G>C (NM_006206.4); short protein forms V533L, V558L, V546L.
Identifiers: ClinVar variation 1418405 (VCV001418405.9), dbSNP rs1723603347, ClinGen allele CA356892893.
Genomic context (GRCh38, chr4:54,274,569, plus strand): 5'-GCCTCTCTCTCTTGTCACGTAGCCCTGCGTTCTGAACTCACGGTGGCTGCTGCAGTCCTG[G>C]TGCTGTTGGTGATTGTGATCATCTCACTTATTGTCCTGGTTGTCATTTGGAAACAGGTAG-3'
Protein context (NP_006197.1, residues 523-543): SELTVAAAVL[Val533Leu]LLVIVIISLI